The following is an entry in ClinVar:

NC_000001.10:g.(?_202565885)_(202566111_?)dup

Gene: SYT2 (synaptotagmin 2; minus strand). Cytogenetic location: 1q32.1.
Variant type: Duplication.
Identifiers: ClinVar variation 3248032 (VCV003248032.1).

ClinVar aggregate classification (germline): Uncertain significance (1 of 4 stars; one submission).

Submission:

Labcorp Genetics (formerly Invitae), Labcorp
Classification: Uncertain significance. Last evaluated: 2022-11-15. Review status: criteria provided, single submitter. Criteria: Invitae Variant Classification Sherloc (09022015). Collection method: clinical testing. Allele origin: unknown.
Comment: In summary, the available evidence is currently insufficient to determine the role of this variant in disease. Therefore, it has been classified as a Variant of Uncertain Significance. Experimental studies and prediction algorithms are not available or were not evaluated, and the functional significance of this variant is currently unknown. This variant has not been reported in the literature in individuals affected with SYT2-related conditions. This variant results in a copy number gain of the genomic region encompassing exon(s) 9 of the SYT2 gene. This region includes the termination codon of the gene. This copy number gain extends beyond the assayed region for this gene and therefore may encompass additional genes. As the precise location of this event is unknown, it may be in tandem or it may be located elsewhere in the genome.